The following is an entry in ClinVar:

NM_000059.4(BRCA2):c.1202C>A (p.Ser401Ter)

Gene: BRCA2 (BRCA2 DNA repair associated; plus strand). Cytogenetic location: 13q13.1.
Variant type: single nucleotide variant.
Coding change: c.1202C>A on transcript NM_000059.4 (MANE Select); coding-DNA position 1202, C replaced by A.
Protein change: p.Ser401Ter; replaces serine 401 with a stop codon.
Molecular consequence: nonsense.
Genome position (GRCh38, 1-based): chr13:32,332,680, C>A. VCF-style: chr13-32332680-C-A. GRCh37 (hg19) VCF-style: chr13-32906817-C-A.
Other names: short protein forms S401*.
Identifiers: ClinVar variation 495430 (VCV000495430.13), dbSNP rs80358413, ClinGen allele CA387762066.

ClinVar aggregate classification (germline): Pathogenic/Likely pathogenic. Review status: criteria provided, multiple submitters, no conflicts (2 of 4 stars). 4 submissions from 4 submitters: Pathogenic (1); Likely pathogenic (3). Last evaluated 2024-10-19.

Conditions:
Hereditary breast ovarian cancer syndrome. Also called: Hereditary breast and/or ovarian cancer syndrome; BRCA1- and BRCA2-Associated Hereditary Breast and Ovarian Cancer; Breast and ovarian cancer; Hereditary breast and ovarian cancer; Hereditary breast and ovarian cancer syndrome; Hereditary breast and ovarian cancer syndrome (HBOC). Identifiers: Orphanet 145, MedGen C0677776, MeSH D061325, MONDO:0003582. Disease mechanism: loss of function.
Familial cancer of breast. Also called: Hereditary breast cancer; hereditary breast carcinoma; BREAST CANCER, FAMILIAL. Identifiers: Orphanet 227535, MedGen C0346153, MONDO:0016419, OMIM 114480. Disease mechanism: loss of function.

Submissions (4):

Labcorp Genetics (formerly Invitae), Labcorp
Classification: Pathogenic for Hereditary breast ovarian cancer syndrome. Last evaluated: 2024-10-19. Review status: criteria provided, single submitter. Criteria: Invitae Variant Classification Sherloc (09022015). Collection method: clinical testing. Allele origin: germline.
Comment: This sequence change creates a premature translational stop signal (p.Ser401*) in the BRCA2 gene. It is expected to result in an absent or disrupted protein product. Loss-of-function variants in BRCA2 are known to be pathogenic (PMID: 20104584). This variant is not present in population databases (gnomAD no frequency). This variant has not been reported in the literature in individuals affected with BRCA2-related conditions. ClinVar contains an entry for this variant (Variation ID: 495430). For these reasons, this variant has been classified as Pathogenic.

Revvity Omics, Revvity
Classification: Likely pathogenic. Last evaluated: 2022-12-09. Review status: criteria provided, single submitter. Criteria: ACMG Guidelines, 2015. Collection method: clinical testing. Allele origin: germline.

Baylor Genetics
Classification: Likely pathogenic for Familial cancer of breast. Last evaluated: 2022-03-27. Review status: criteria provided, single submitter. Criteria: ACMG Guidelines, 2015. Collection method: clinical testing. Allele origin: unknown.

Women's Health and Genetics/Laboratory Corporation of America, LabCorp
Classification: Likely pathogenic for Hereditary breast ovarian cancer syndrome. Last evaluated: 2016-02-19. Review status: criteria provided, single submitter. Criteria: LabCorp Variant Classification Summary - May 2015. Collection method: clinical testing. Allele origin: germline.
Comment: Variant summary: Variant is a nonsense mutation resulting in a truncated protein at position 401 in the 3418 amino acid long BRCA2. Since truncating mutations are known mechanisms of HBOC, the truncating nature of the variant is a strong indication for pathogenicity. Mutation taster predicts disease causing outcome for this substitution. It is absent from the large and broad cohorts of ExAc project further supporting a deleterious outcome. To our knowledge, the variant was not reported in HBOC spectrum patients and in vivo/vitro studies assessing the functional impact of the variant were not published either at the time of scoring. A different nonsense variant c.1202C>G resulting in the same truncated protein has been reported as pathogenic in ClinVar. Considering all evidence, the variant was classified as Likely Pathogenic.

Literature cited by the submitters: PubMed 20104584 (cited by Labcorp Genetics (formerly Invitae), Labcorp).